The following is an entry in ClinVar:

NM_000352.6(ABCC8):c.4577C>G (p.Ala1526Gly)

Gene: ABCC8 (ATP binding cassette subfamily C member 8; minus strand). Cytogenetic location: 11p15.1.
Variant type: single nucleotide variant.
Coding change: c.4577C>G on transcript NM_000352.6 (MANE Select); coding-DNA position 4577, C replaced by G.
Protein change: p.Ala1526Gly; replaces alanine 1526 with glycine.
Molecular consequence: missense variant. On other transcripts: non-coding transcript variant (1).
Genome position (GRCh38, 1-based): chr11:17,393,728, G>C on the plus strand (C>G on the coding strand, the complement: ABCC8 is on the minus strand). VCF-style: chr11-17393728-G-C. GRCh37 (hg19) VCF-style: chr11-17415275-G-C.
Other names: c.4580C>G, p.Ala1527Gly (NM_001287174.3); c.4643C>G, p.Ala1548Gly (NM_001351295.2); c.4577C>G, p.Ala1526Gly (NM_001351296.2); c.4574C>G, p.Ala1525Gly (NM_001351297.2); short protein forms A1525G, A1526G, A1527G, A1548G.
Identifiers: ClinVar variation 3032305 (VCV003032305.2), dbSNP rs2496434707, ClinGen allele CA379782032.

ClinVar aggregate classification (germline): Uncertain significance (0 of 4 stars; one submission).

Conditions:
ABCC8-related disorder.

Submission:

PreventionGenetics, part of Exact Sciences
Classification: Uncertain significance for ABCC8-related condition. Last evaluated: 2023-10-20. Review status: no assertion criteria provided. Collection method: clinical testing. Allele origin: germline.
Comment: The ABCC8 c.4577C>G variant is predicted to result in the amino acid substitution p.Ala1526Gly. To our knowledge, this variant has not been reported in the literature or in a large population database, indicating this variant is rare. At this time, the clinical significance of this variant is uncertain due to the absence of conclusive functional and genetic evidence.